The following is an entry in ClinVar:

ClinVar aggregate classification (germline): Uncertain significance (1 of 4 stars; one submission).

Allele frequency attached by ClinVar (database versions not stated): ESP Exome Variant Server 0.00015; gnomAD 0.00022; ExAC 0.00054.
gnomAD v4.1: 191 of 1,613,862 alleles (0.012%); highest among the groups gnomAD compares: Non-Finnish European, 0.0073%; no homozygotes.

Submission:

Labcorp Genetics (formerly Invitae), Labcorp
Classification: Uncertain significance. Last evaluated: 2024-10-26. Review status: criteria provided, single submitter. Criteria: Invitae Variant Classification Sherloc (09022015). Collection method: clinical testing. Allele origin: germline.
Comment: This sequence change replaces leucine, which is neutral and non-polar, with valine, which is neutral and non-polar, at codon 58 of the AXL protein (p.Leu58Val). This variant is present in population databases (rs200868176, gnomAD 0.1%), and has an allele count higher than expected for a pathogenic variant. This variant has not been reported in the literature in individuals affected with AXL-related conditions. ClinVar contains an entry for this variant (Variation ID: 1930503). Invitae Evidence Modeling of protein sequence and biophysical properties (such as structural, functional, and spatial information, amino acid conservation, physicochemical variation, residue mobility, and thermodynamic stability) indicates that this missense variant is not expected to disrupt AXL protein function with a negative predictive value of 80%. In summary, the available evidence is currently insufficient to determine the role of this variant in disease. Therefore, it has been classified as a Variant of Uncertain Significance.

NM_021913.5(AXL):c.172C>G (p.Leu58Val)

Gene: AXL (AXL receptor tyrosine kinase; plus strand). Cytogenetic location: 19q13.2.
Variant type: single nucleotide variant.
Coding change: c.172C>G on transcript NM_021913.5 (MANE Select); coding-DNA position 172, C replaced by G.
Protein change: p.Leu58Val; replaces leucine 58 with valine.
Molecular consequence: missense variant.
Genome position (GRCh38, 1-based): chr19:41,220,722, C>G. VCF-style: chr19-41220722-C-G. GRCh37 (hg19) VCF-style: chr19-41726627-C-G.
Other names: c.172C>G, p.Leu58Val (NM_001699.6); short protein forms L58V.
Identifiers: ClinVar variation 1930503 (VCV001930503.5), dbSNP rs200868176, ClinGen allele CA9457869.